The following is an entry in ClinVar:

ClinVar aggregate classification (germline): Uncertain significance. Review status: criteria provided, multiple submitters, no conflicts (2 of 4 stars). 2 submissions from 2 submitters: Uncertain significance (2). Last evaluated 2025-04-29.

Conditions:
Inborn genetic diseases. Identifiers: MedGen C0950123, MeSH D030342.

Allele frequency attached by ClinVar (database versions not stated): TOPMed below 0.00001; gnomAD exomes 0.00001.
gnomAD v4.1: 7 of 1,614,066 alleles (0.00043%); highest among the groups gnomAD compares: Non-Finnish European, 0.00059%; no homozygotes.

Submissions (2):

Ambry Genetics
Classification: Uncertain significance for Inborn genetic diseases. Last evaluated: 2025-04-29. Review status: criteria provided, single submitter. Criteria: Ambry Variant Classification Scheme 2023. Collection method: clinical testing. Allele origin: germline.

Labcorp Genetics (formerly Invitae), Labcorp
Classification: Uncertain significance. Last evaluated: 2022-05-12. Review status: criteria provided, single submitter. Criteria: Invitae Variant Classification Sherloc (09022015). Collection method: clinical testing. Allele origin: germline.
Comment: This sequence change replaces glycine, which is neutral and non-polar, with serine, which is neutral and polar, at codon 681 of the LAMC3 protein (p.Gly681Ser). In summary, the available evidence is currently insufficient to determine the role of this variant in disease. Therefore, it has been classified as a Variant of Uncertain Significance. Algorithms developed to predict the effect of missense changes on protein structure and function (SIFT, PolyPhen-2, Align-GVGD) all suggest that this variant is likely to be disruptive. This variant has not been reported in the literature in individuals affected with LAMC3-related conditions. This variant is present in population databases (no rsID available, gnomAD 0.0009%).

NM_006059.4(LAMC3):c.2041G>A (p.Gly681Ser)

Gene: LAMC3 (laminin subunit gamma 3; plus strand). Cytogenetic location: 9q34.12.
Variant type: single nucleotide variant.
Coding change: c.2041G>A on transcript NM_006059.4 (MANE Select); coding-DNA position 2041, G replaced by A.
Protein change: p.Gly681Ser; replaces glycine 681 with serine.
Molecular consequence: missense variant.
Genome position (GRCh38, 1-based): chr9:131,057,030, G>A. VCF-style: chr9-131057030-G-A. GRCh37 (hg19) VCF-style: chr9-133932417-G-A.
Other names: c.2041G>A (NM_006059.3); short protein forms G681S.
Identifiers: ClinVar variation 1969588 (VCV001969588.6), dbSNP rs1254819128, ClinGen allele CA375265837.